The following is an entry in ClinVar:

ClinVar aggregate classification (germline): Uncertain significance (1 of 4 stars; one submission).

Submission:

GeneDx
Classification: Uncertain significance. Last evaluated: 2024-10-21. Review status: criteria provided, single submitter. Criteria: GeneDx Variant Classification Process June 2021. Collection method: clinical testing. Allele origin: germline. Affected: yes.
Comment: Not observed at significant frequency in large population cohorts (gnomAD); In silico analysis indicates that this missense variant does not alter protein structure/function; Has not been previously published as pathogenic or benign to our knowledge

NM_182925.5(FLT4):c.2390T>A (p.Phe797Tyr)

Genes: FLT4 (fms related receptor tyrosine kinase 4; minus strand), LOC126807632 (CDK7 strongly-dependent group 2 enhancer GRCh37_chr5:180046831-180048030; plus strand). Cytogenetic location: 5q35.3.
Variant type: single nucleotide variant.
Coding change: c.2390T>A on transcript NM_182925.5 (MANE Select); coding-DNA position 2390, T replaced by A.
Protein change: p.Phe797Tyr; replaces phenylalanine 797 with tyrosine.
Molecular consequence: missense variant.
Genome position (GRCh38, 1-based): chr5:180,620,625, A>T on the plus strand (T>A on the coding strand, the complement: FLT4 is on the minus strand). VCF-style: chr5-180620625-A-T. GRCh37 (hg19) VCF-style: chr5-180047625-A-T.
Other names: c.2390T>A, p.Phe797Tyr (NM_001354989.2, NM_002020.5); short protein forms F797Y.
Identifiers: ClinVar variation 3781309 (VCV003781309.1).